The following is an entry in ClinVar:

NM_000303.3(PMM2):c.550C>A (p.Pro184Thr)

Gene: PMM2 (phosphomannomutase 2; plus strand). Cytogenetic location: 16p13.2.
Variant type: single nucleotide variant.
Coding change: c.550C>A on transcript NM_000303.3 (MANE Select); coding-DNA position 550, C replaced by A.
Protein change: p.Pro184Thr; replaces proline 184 with threonine.
Molecular consequence: missense variant.
Genome position (GRCh38, 1-based): chr16:8,813,017, C>A. VCF-style: chr16-8813017-C-A. GRCh37 (hg19) VCF-style: chr16-8906874-C-A.
Other names: short protein forms P184T.
Identifiers: ClinVar variation 551026 (VCV000551026.5), dbSNP rs1555449795, ClinGen allele CA394697747.

ClinVar aggregate classification (germline): Conflicting classifications of pathogenicity. Review status: criteria provided, conflicting classifications (1 of 4 stars). 4 submissions from 4 submitters: Likely pathogenic (1); Uncertain significance (2). 1 of the submissions does not count toward it. Last evaluated 2024-09-11.

Conditions:
PMM2-congenital disorder of glycosylation. Also called: CDG Ia; JAEKEN SYNDROME; PHOSPHOMANNOMUTASE 2 DEFICIENCY; CARBOHYDRATE-DEFICIENT GLYCOPROTEIN SYNDROME, TYPE Ia; PMM2-CDG; Congenital disorder of glycosylation, type Ia. Identifiers: Orphanet 79318, MedGen C0349653, MONDO:0008907, OMIM 212065.

Allele frequency attached by ClinVar (database versions not stated): TOPMed below 0.00001.
gnomAD v4.1: 2 of 1,613,078 alleles (0.00012%); highest among the groups gnomAD compares: Non-Finnish European, 0.00017%; no homozygotes.

Submissions (4):

Women's Health and Genetics/Laboratory Corporation of America, LabCorp
Classification: Uncertain significance. Last evaluated: 2024-09-11. Review status: criteria provided, single submitter. Criteria: LabCorp Variant Classification Summary - May 2015. Collection method: clinical testing. Allele origin: germline.
Comment: Variant summary: PMM2 c.550C>A (p.Pro184Thr) results in a non-conservative amino acid change in the encoded protein sequence. Five of five in-silico tools predict a damaging effect of the variant on protein function. The variant was absent in 251486 control chromosomes. c.550C>A has been reported in the literature in individuals affected with Congenital Disorder Of Glycosylation Type 1a who also carried another variant, c.353C>G, in cis (e.g. Vega_2011, Perez-Cerda_2017, Morena-Barrio_2016, Quelhas_2021). These report(s) do not provide unequivocal conclusions about association of the variant with Congenital Disorder Of Glycosylation Type 1a. At least one publication reports experimental evidence evaluating an impact on protein function. The most pronounced variant effect results in 1% of normal phosphomannomutase activity (Vega_2011). The following publications have been ascertained in the context of this evaluation (PMID: 27214821, 28139241, 33340551, 21541725). ClinVar contains an entry for this variant (Variation ID: 551026). Based on the evidence outlined above, the variant was classified as VUS-possibly pathogenic.

3billion
Classification: Likely pathogenic for PMM2-congenital disorder of glycosylation. Last evaluated: 2023-02-23. Review status: criteria provided, single submitter. Criteria: ACMG Guidelines, 2015. Collection method: clinical testing. Allele origin: unknown. Affected: yes.
Comment: The variant is not observed in the gnomAD v2.1.1 dataset. Functional studies provide moderate evidence of the variant having a damaging effect on the gene or gene product (PMID: 21541725). In silico tool predictions suggest damaging effect of the variant on gene or gene product (REVEL: 0.95; 3Cnet: 0.80). Same nucleotide change resulting in same amino acid change has been previously reported to be associated with PMM2 related disorder (PMID: 21541725). Therefore, this variant is classified as Likely pathogenic according to the recommendation of ACMG/AMP guideline.

Labcorp Genetics (formerly Invitae), Labcorp
Classification: Uncertain significance for PMM2-congenital disorder of glycosylation. Last evaluated: 2021-09-01. Review status: criteria provided, single submitter. Criteria: Invitae Variant Classification Sherloc (09022015). Collection method: clinical testing. Allele origin: germline.
Comment: This sequence change replaces proline with threonine at codon 184 of the PMM2 protein (p.Pro184Thr). The proline residue is highly conserved and there is a small physicochemical difference between proline and threonine. This variant is not present in population databases (ExAC no frequency). This missense change has been observed in individual(s) with PMM2-CDG (PMID: 21541725). ClinVar contains an entry for this variant (Variation ID: 551026). Advanced modeling of protein sequence and biophysical properties (such as structural, functional, and spatial information, amino acid conservation, physicochemical variation, residue mobility, and thermodynamic stability) performed at Invitae indicates that this missense variant is expected to disrupt PMM2 protein function. Experimental studies have shown that this missense change affects PMM2 function (PMID: 21541725). In summary, the available evidence is currently insufficient to determine the role of this variant in disease. Therefore, it has been classified as a Variant of Uncertain Significance.

Counsyl
Classification: Uncertain significance for PMM2-congenital disorder of glycosylation. Last evaluated: 2017-03-15. Review status: no assertion criteria provided. Collection method: clinical testing. Allele origin: unknown. Not counted in ClinVar's aggregate classification.

Literature cited by the submitters: PubMed 21541725 (cited by 4 submitters); PubMed 28139241 (cited by Women's Health and Genetics/Laboratory Corporation of America, LabCorp); PubMed 33340551 (cited by Women's Health and Genetics/Laboratory Corporation of America, LabCorp); PubMed 27214821 (cited by Women's Health and Genetics/Laboratory Corporation of America, LabCorp).